The following is an entry in ClinVar:

NM_001348716.2(KDM6B):c.2285C>T (p.Thr762Met)

Gene: KDM6B (lysine demethylase 6B; plus strand). Cytogenetic location: 17p13.1.
Variant type: single nucleotide variant.
Coding change: c.2285C>T on transcript NM_001348716.2 (MANE Select); coding-DNA position 2285, C replaced by T.
Protein change: p.Thr762Met; replaces threonine 762 with methionine.
Molecular consequence: missense variant.
Genome position (GRCh38, 1-based): chr17:7,848,573, C>T. VCF-style: chr17-7848573-C-T. GRCh37 (hg19) VCF-style: chr17-7751891-C-T.
Other names: c.2285C>T, p.Thr762Met (NM_001080424.2); c.2285C>T (NM_001080424.1); short protein forms T762M.
Identifiers: ClinVar variation 3025971 (VCV003025971.23), dbSNP rs759879792, ClinGen allele CA8360865.

ClinVar aggregate classification (germline): Likely benign. Review status: criteria provided, multiple submitters, no conflicts (2 of 4 stars). 2 submissions from 2 submitters: Likely benign (2). Last evaluated 2024-02-01.

Conditions:
Inborn genetic diseases. Identifiers: MedGen C0950123, MeSH D030342.

Allele frequency attached by ClinVar (database versions not stated): gnomAD 0.00001; ExAC 0.00009.
gnomAD v4.1: 50 of 1,605,944 alleles (0.0031%); highest among the groups gnomAD compares: East Asian, 0.016%; no homozygotes.

Submissions (2):

CeGaT Center for Human Genetics Tuebingen
Classification: Likely benign. Last evaluated: 2024-02-01. Review status: criteria provided, single submitter. Criteria: CeGaT Center For Human Genetics Tuebingen Variant Classification Criteria Version 2. Collection method: clinical testing. Allele origin: germline. Affected: yes. Observed: 1 variant allele.
Comment: KDM6B: BP4

Ambry Genetics
Classification: Likely benign for Inborn genetic diseases. Last evaluated: 2023-10-25. Review status: criteria provided, single submitter. Criteria: Ambry Variant Classification Scheme 2023. Collection method: clinical testing. Allele origin: germline.